The following is an entry in ClinVar:

NM_020919.4(ALS2):c.4417A>G (p.Ser1473Gly)

Gene: ALS2 (alsin Rho guanine nucleotide exchange factor ALS2; minus strand). Cytogenetic location: 2q33.1.
Variant type: single nucleotide variant.
Coding change: c.4417A>G on transcript NM_020919.4 (MANE Select); coding-DNA position 4417, A replaced by G.
Protein change: p.Ser1473Gly; replaces serine 1473 with glycine.
Molecular consequence: missense variant.
Genome position (GRCh38, 1-based): chr2:201,707,009, T>C on the plus strand (A>G on the coding strand, the complement: ALS2 is on the minus strand). VCF-style: chr2-201707009-T-C. GRCh37 (hg19) VCF-style: chr2-202571732-T-C.
Other names: c.4414A>G, p.Ser1472Gly (NM_001410975.1); short protein forms S1472G, S1473G.
Identifiers: ClinVar variation 4713595 (VCV004713595.1).

ClinVar aggregate classification (germline): Uncertain significance (1 of 4 stars; one submission).

Conditions:
Infantile-onset ascending hereditary spastic paralysis (IAHSP). Also called: Infantile-Onset Ascending Hereditary Spastic Paralysis (IAHSP); Autosomal Recessive Juvenile Amyotrophic Lateral Sclerosis. Identifiers: Orphanet 293168, MedGen C2931441, MONDO:0011797, OMIM 607225. Disease mechanism: loss of function.

gnomAD v4.1: 4 of 1,613,628 alleles (0.00025%); highest among the groups gnomAD compares: East Asian, 0.0022%; no homozygotes.

Submission:

Labcorp Genetics (formerly Invitae), Labcorp
Classification: Uncertain significance for Infantile-onset ascending hereditary spastic paralysis. Last evaluated: 2025-11-25. Review status: criteria provided, single submitter. Criteria: Invitae Variant Classification Sherloc (09022015). Collection method: clinical testing. Allele origin: germline.
Comment: This sequence change replaces serine, which is neutral and polar, with glycine, which is neutral and non-polar, at codon 1473 of the ALS2 protein (p.Ser1473Gly). This variant is not present in population databases (gnomAD no frequency). This variant has not been reported in the literature in individuals affected with ALS2-related conditions. Invitae Evidence Modeling of protein sequence and biophysical properties (such as structural, functional, and spatial information, amino acid conservation, physicochemical variation, residue mobility, and thermodynamic stability) indicates that this missense variant is not expected to disrupt ALS2 protein function with a negative predictive value of 80%. In summary, the available evidence is currently insufficient to determine the role of this variant in disease. Therefore, it has been classified as a Variant of Uncertain Significance.